The following is an entry in ClinVar:

NM_005529.7(HSPG2):c.1548C>T (p.Ala516=)

Gene: HSPG2 (heparan sulfate proteoglycan 2; minus strand). Cytogenetic location: 1p36.12.
Variant type: single nucleotide variant.
Coding change: c.1548C>T on transcript NM_005529.7 (MANE Select); coding-DNA position 1548, C replaced by T.
Protein change: p.Ala516=; no amino-acid change (alanine 516 retained).
Molecular consequence: synonymous variant.
Genome position (GRCh38, 1-based): chr1:21,884,634, G>A on the plus strand (C>T on the coding strand, the complement: HSPG2 is on the minus strand). VCF-style: chr1-21884634-G-A. GRCh37 (hg19) VCF-style: chr1-22211127-G-A.
Other names: c.1551C>T, p.Ala517= (NM_001291860.2).
Identifiers: ClinVar variation 3058369 (VCV003058369.2), dbSNP rs763579802, ClinGen allele CA673388.

ClinVar aggregate classification (germline): Likely benign (0 of 4 stars; one submission).

Conditions:
HSPG2-related disorder. Also called: HSPG2-related disorders; HSPG2-related condition.

Allele frequency attached by ClinVar (database versions not stated): gnomAD exomes below 0.00001; TOPMed below 0.00001; gnomAD 0.00001; ExAC 0.00003.
gnomAD v4.1: 6 of 1,611,514 alleles (0.00037%); highest among the groups gnomAD compares: Admixed American, 0.0017%; no homozygotes.

Submission:

PreventionGenetics, part of Exact Sciences
Classification: Likely benign for HSPG2-related condition. Last evaluated: 2019-04-15. Review status: no assertion criteria provided. Collection method: clinical testing. Allele origin: germline.
Comment: This variant is classified as likely benign based on ACMG/AMP sequence variant interpretation guidelines (Richards et al. 2015 PMID: 25741868, with internal and published modifications).